The following is an entry in ClinVar:

NM_001375524.1(TRRAP):c.5481G>T (p.Lys1827Asn)

Gene: TRRAP (transformation/transcription domain associated protein; plus strand). Cytogenetic location: 7q22.1.
Variant type: single nucleotide variant.
Coding change: c.5481G>T on transcript NM_001375524.1 (MANE Select); coding-DNA position 5481, G replaced by T.
Protein change: p.Lys1827Asn; replaces lysine 1827 with asparagine.
Molecular consequence: missense variant.
Genome position (GRCh38, 1-based): chr7:98,953,184, G>T. VCF-style: chr7-98953184-G-T. GRCh37 (hg19) VCF-style: chr7-98550807-G-T.
Other names: c.5460G>T, p.Lys1820Asn (NM_001244580.2); c.5406G>T, p.Lys1802Asn (NM_003496.4); short protein forms K1827N, K1802N, K1820N.
Identifiers: ClinVar variation 4731899 (VCV004731899.1).

ClinVar aggregate classification (germline): Uncertain significance (1 of 4 stars; one submission).

Submission:

Labcorp Genetics (formerly Invitae), Labcorp
Classification: Uncertain significance. Last evaluated: 2025-04-23. Review status: criteria provided, single submitter. Criteria: Invitae Variant Classification Sherloc (09022015). Collection method: clinical testing. Allele origin: germline.
Comment: This sequence change replaces lysine, which is basic and polar, with asparagine, which is neutral and polar, at codon 1802 of the TRRAP protein (p.Lys1802Asn). This variant is not present in population databases (gnomAD no frequency). This variant has not been reported in the literature in individuals affected with TRRAP-related conditions. Invitae Evidence Modeling of protein sequence and biophysical properties (such as structural, functional, and spatial information, amino acid conservation, physicochemical variation, residue mobility, and thermodynamic stability) indicates that this missense variant is not expected to disrupt TRRAP protein function with a negative predictive value of 80%. In summary, the available evidence is currently insufficient to determine the role of this variant in disease. Therefore, it has been classified as a Variant of Uncertain Significance.